The following is an entry in ClinVar:

ClinVar aggregate classification (germline): Pathogenic/Likely pathogenic. Review status: criteria provided, multiple submitters, no conflicts (2 of 4 stars). 2 submissions from 2 submitters: Pathogenic (1); Likely pathogenic (1). Last evaluated 2025-12-15.

Conditions:
Familial dysautonomia. Also called: HSAN III; FD. Identifiers: Orphanet 1764, MedGen C0013364, MONDO:0009131, OMIM 223900. Disease mechanism: loss of function.

gnomAD v4.1: 1 of 1,613,910 alleles (0.000062%); highest among the groups gnomAD compares: African/African-American, 0.0013%; no homozygotes.

Submissions (2):

Natera, Inc.
Classification: Likely pathogenic for Familial dysautonomia. Last evaluated: 2025-12-15. Review status: criteria provided, single submitter. Criteria: Natera Variant Classification Schema (03/2026). Collection method: clinical testing. Allele origin: germline.
Comment: The c.990G>A variant in ELP1 is a nonsense variant predicted to introduce a stop codon at amino acid 330. This variant is expected to result in nonsense mediated decay, truncation, or a dysfunctional protein product. This variant is rare in the general population with a frequency below the threshold expected for the associated phenotype(s). Given the available evidence, this variant is classified as Likely Pathogenic.

Labcorp Genetics (formerly Invitae), Labcorp
Classification: Pathogenic. Last evaluated: 2022-09-22. Review status: criteria provided, single submitter. Criteria: Invitae Variant Classification Sherloc (09022015). Collection method: clinical testing. Allele origin: germline.
Comment: This sequence change creates a premature translational stop signal (p.Trp330*) in the ELP1 gene. It is expected to result in an absent or disrupted protein product. Loss-of-function variants in ELP1 are known to be pathogenic (PMID: 18303054, 24173031). This variant is not present in population databases (gnomAD no frequency). This variant has not been reported in the literature in individuals affected with ELP1-related conditions. ClinVar contains an entry for this variant (Variation ID: 1071336). For these reasons, this variant has been classified as Pathogenic.

Literature cited by the submitters: PubMed 18303054 (cited by Labcorp Genetics (formerly Invitae), Labcorp); PubMed 24173031 (cited by Labcorp Genetics (formerly Invitae), Labcorp).

NM_003640.5(ELP1):c.990G>A (p.Trp330Ter)

Gene: ELP1 (elongator acetyltransferase complex subunit 1; minus strand). Cytogenetic location: 9q31.3.
Variant type: single nucleotide variant.
Coding change: c.990G>A on transcript NM_003640.5 (MANE Select); coding-DNA position 990, G replaced by A.
Protein change: p.Trp330Ter; replaces tryptophan 330 with a stop codon.
Molecular consequence: nonsense. On other transcripts: 5 prime UTR variant (1).
Genome position (GRCh38, 1-based): chr9:108,912,463, C>T on the plus strand (G>A on the coding strand, the complement: ELP1 is on the minus strand). VCF-style: chr9-108912463-C-T. GRCh37 (hg19) VCF-style: chr9-111674743-C-T.
Other names: c.648G>A, p.Trp216Ter (NM_001318360.2); c.-58G>A (NM_001330749.2); c.990G>A (NM_003640.4); short protein forms W216*, W330*.
Identifiers: ClinVar variation 1071336 (VCV001071336.5), dbSNP rs1829265811, ClinGen allele CA374429651.
Genomic context (GRCh38, chr9:108,912,463, plus strand): 5'-CATCAGAGACACAATCTTGCTCTTCCCACAGGTGCTGAAGGATAAACTTTGCTTGAGATA[C>T]CAGTGATAGTTTCCAACAGTCCAGAGCTGAACTGCAAGGGAAAATGAAAAGAAGGCCGTT-3'